The following is an entry in ClinVar:

ClinVar aggregate classification (germline): Pathogenic. Review status: criteria provided, multiple submitters, no conflicts (2 of 4 stars). 4 submissions from 4 submitters: Pathogenic (2). 2 of the submissions do not count toward it. Last evaluated 2023-12-06.

Conditions:
Charcot-Marie-Tooth disease type 2. Also called: Charcot-Marie-Tooth type 2. Identifiers: Orphanet 64746, MedGen C0270914, MONDO:0018993.
Congenital generalized lipodystrophy type 2 (CGL2). Also called: BERARDINELLI SYNDROME; BRUNZELL SYNDROME, BSCL2-RELATED; SEIP SYNDROME; Berardinelli-Seip Congenital Lipodystrophy Type 2. Identifiers: Orphanet 528, Orphanet 696289, MedGen C1720863, MONDO:0010020, OMIM 269700.
Berardinelli-Seip congenital lipodystrophy. Identifiers: Orphanet 528, MedGen CN262437, MONDO:0018883.

Allele frequency attached by ClinVar (database versions not stated): gnomAD 0.00001; gnomAD exomes 0.00002; ExAC 0.00001.
gnomAD v4.1: 8 of 1,614,002 alleles (0.0005%); highest among the groups gnomAD compares: East Asian, 0.018%; no homozygotes.

Submissions (4):

Labcorp Genetics (formerly Invitae), Labcorp
Classification: Pathogenic for Charcot-Marie-Tooth disease type 2. Last evaluated: 2023-12-06. Review status: criteria provided, single submitter. Criteria: Invitae Variant Classification Sherloc (09022015). Collection method: clinical testing. Allele origin: germline.
Comment: This sequence change creates a premature translational stop signal (p.Glu189*) in the BSCL2 gene. It is expected to result in an absent or disrupted protein product. Loss-of-function variants in BSCL2 are known to be pathogenic (PMID: 11479539, 23564749). This variant is present in population databases (rs137852975, gnomAD 0.04%). This premature translational stop signal has been observed in individual(s) with Berardinelli-Seip congenital lipodystrophy (PMID: 18057387, 19041432, 19762912, 24778225, 27612026). In at least one individual the data is consistent with being in trans (on the opposite chromosome) from a pathogenic variant. This variant is also known as p.Glu253*. ClinVar contains an entry for this variant (Variation ID: 4546). For these reasons, this variant has been classified as Pathogenic.

Juno Genomics, Hangzhou Juno Genomics, Inc
Classification: Pathogenic for Congenital generalized lipodystrophy type 2. Review status: criteria provided, single submitter. Criteria: ACMG Guidelines, 2015. Collection method: clinical testing. Allele origin: germline. Affected: yes.
Comment: Absent from controls (or at extremely low frequency if recessive) in Genome Aggregation Database, Exome Sequencing Project, 1000 Genomes Project, or Exome Aggregation Consortium.;Null variant in a gene where loss of function (LOF) is a known mechanism of disease.;For recessive disorders, detected in trans with a pathogenic variant.;Patient's phenotype or family history is highly specific for a disease with a single genetic etiology.

Inherited Neuropathy Consortium Ii, University Of Miami
Classification: Uncertain significance for Berardinelli-Seip congenital lipodystrophy. Last evaluated: 2016-01-06. Review status: no assertion criteria provided. Collection method: literature only. Allele origin: germline. Affected: yes. Not counted in ClinVar's aggregate classification.

OMIM
Classification: Pathogenic for LIPODYSTROPHY, CONGENITAL GENERALIZED, TYPE 2. Last evaluated: 2009-01-01. Review status: no assertion criteria provided. Collection method: literature only. Allele origin: germline. Not counted in ClinVar's aggregate classification.

Literature cited by the submitters: PubMed 11479539 (cited by Labcorp Genetics (formerly Invitae), Labcorp); PubMed 23564749 (cited by Labcorp Genetics (formerly Invitae), Labcorp); PubMed 18057387 (cited by Labcorp Genetics (formerly Invitae), Labcorp and OMIM); PubMed 19041432 (cited by Labcorp Genetics (formerly Invitae), Labcorp and OMIM); PubMed 19762912 (cited by Labcorp Genetics (formerly Invitae), Labcorp); PubMed 24778225 (cited by Labcorp Genetics (formerly Invitae), Labcorp); PubMed 27612026 (cited by Labcorp Genetics (formerly Invitae), Labcorp); PubMed 18690553 (cited by Inherited Neuropathy Consortium Ii, University Of Miami).

NM_001122955.4(BSCL2):c.757G>T (p.Glu253Ter)

Genes: BSCL2 (BSCL2 lipid droplet biogenesis associated, seipin; minus strand), HNRNPUL2-BSCL2 (HNRNPUL2-BSCL2 readthrough (NMD candidate); minus strand). Cytogenetic location: 11q12.3.
Variant type: single nucleotide variant.
Coding change: c.757G>T on transcript NM_001122955.4 (MANE Select); coding-DNA position 757, G replaced by T.
Protein change: p.Glu253Ter; replaces glutamic acid 253 with a stop codon.
Molecular consequence: nonsense. On other transcripts: non-coding transcript variant (1).
Genome position (GRCh38, 1-based): chr11:62,692,671, C>A on the plus strand (G>T on the coding strand, the complement: BSCL2 is on the minus strand). VCF-style: chr11-62692671-C-A. GRCh37 (hg19) VCF-style: chr11-62460143-C-A.
Other names: c.565G>T, p.Glu189Ter (NM_001130702.2, NM_032667.6); c.757G>T, p.Glu253Ter (NM_001386027.1, NM_001386028.1); short protein forms E189*, E253*.
Identifiers: ClinVar variation 4546 (VCV000004546.13), dbSNP rs137852975, ClinGen allele CA277936.